The following is an entry in ClinVar:

NM_001008537.3(NEXMIF):c.4493C>T (p.Thr1498Ile)

Gene: NEXMIF (neurite extension and migration factor; minus strand). Cytogenetic location: Xq13.3.
Variant type: single nucleotide variant.
Coding change: c.4493C>T on transcript NM_001008537.3 (MANE Select); coding-DNA position 4493, C replaced by T.
Protein change: p.Thr1498Ile; replaces threonine 1498 with isoleucine.
Molecular consequence: missense variant.
Genome position (GRCh38, 1-based): chrX:74,739,463, G>A on the plus strand (C>T on the coding strand, the complement: NEXMIF is on the minus strand). VCF-style: chrX-74739463-G-A. GRCh37 (hg19) VCF-style: chrX-73959298-G-A.
Other names: c.4493C>T (NM_001008537.1); short protein forms T1498I.
Identifiers: ClinVar variation 648767 (VCV000648767.10), dbSNP rs145525836, ClinGen allele CA413662972.

ClinVar aggregate classification (germline): Uncertain significance. Review status: criteria provided, multiple submitters, no conflicts (2 of 4 stars). 2 submissions from 2 submitters: Uncertain significance (2). Last evaluated 2024-12-21.

Allele frequency attached by ClinVar (database versions not stated): TOPMed 0.00002; gnomAD 0.00005.
gnomAD v4.1: 2 of 1,197,540 alleles (0.00017%); highest among the groups gnomAD compares: African/African-American, 0.0036%; no homozygotes.

Submissions (2):

GeneDx
Classification: Uncertain significance. Last evaluated: 2024-12-21. Review status: criteria provided, single submitter. Criteria: GeneDx Variant Classification Process June 2021. Collection method: clinical testing. Allele origin: germline. Affected: yes.
Comment: Has not been previously published as pathogenic or benign to our knowledge; In silico analysis indicates that this missense variant does not alter protein structure/function

Labcorp Genetics (formerly Invitae), Labcorp
Classification: Uncertain significance. Last evaluated: 2022-10-27. Review status: criteria provided, single submitter. Criteria: Invitae Variant Classification Sherloc (09022015). Collection method: clinical testing. Allele origin: germline.
Comment: This sequence change replaces threonine, which is neutral and polar, with isoleucine, which is neutral and non-polar, at codon 1498 of the NEXMIF protein (p.Thr1498Ile). This variant is present in population databases (no rsID available, gnomAD 0.02%). In summary, the available evidence is currently insufficient to determine the role of this variant in disease. Therefore, it has been classified as a Variant of Uncertain Significance. Algorithms developed to predict the effect of missense changes on protein structure and function (SIFT, PolyPhen-2, Align-GVGD) all suggest that this variant is likely to be tolerated. ClinVar contains an entry for this variant (Variation ID: 648767). This variant has not been reported in the literature in individuals affected with NEXMIF-related conditions.